The following is an entry in ClinVar:

NM_001374736.1(DST):c.16464A>C (p.Glu5488Asp)

Gene: DST (dystonin; minus strand). Cytogenetic location: 6p12.1.
Variant type: single nucleotide variant.
Coding change: c.16464A>C on transcript NM_001374736.1 (MANE Select); coding-DNA position 16464, A replaced by C.
Protein change: p.Glu5488Asp; replaces glutamic acid 5488 with aspartic acid.
Molecular consequence: missense variant.
Genome position (GRCh38, 1-based): chr6:56,552,328, T>G on the plus strand (A>C on the coding strand, the complement: DST is on the minus strand). VCF-style: chr6-56552328-T-G. GRCh37 (hg19) VCF-style: chr6-56417126-T-G.
Other names: c.10107A>C, p.Glu3369Asp (NM_001144769.5); c.9693A>C, p.Glu3231Asp (NM_001144770.2); c.16464A>C, p.Glu5488Asp (NM_001374722.1); c.15831A>C, p.Glu5277Asp (NM_001374729.1); c.9573A>C, p.Glu3191Asp (NM_001374730.1, NM_183380.4); c.16491A>C, p.Glu5497Asp (NM_001374734.1); c.8595A>C, p.Glu2865Asp (NM_015548.5); short protein forms E5488D, E3191D, E5277D, E2865D, E5497D, E3231D, E3369D.
Identifiers: ClinVar variation 966779 (VCV000966779.10), dbSNP rs2097339072, ClinGen allele CA364513519.

ClinVar aggregate classification (germline): Uncertain significance (1 of 4 stars; one submission).

Conditions:
Hereditary sensory and autonomic neuropathy type 6. Also called: Neuropathy, hereditary sensory and autonomic, type VI; HSAN VI. Identifiers: Orphanet 314381, MedGen C3539003, MONDO:0013839, OMIM 614653.
Epidermolysis bullosa simplex 3, localized or generalized intermediate, with BP230 deficiency (EBS3). Also called: Epidermolysis bullosa simplex, autosomal recessive 2; Epidermolysis bullosa simplex due to BP230 deficiency. Identifiers: Orphanet 412181, MedGen C3809470, MONDO:0014180, OMIM 615425.

Submission:

Labcorp Genetics (formerly Invitae), Labcorp
Classification: Uncertain significance for Epidermolysis bullosa simplex 3, localized or generalized intermediate, with BP230 deficiency; Hereditary sensory and autonomic neuropathy type 6. Last evaluated: 2022-07-19. Review status: criteria provided, single submitter. Criteria: Invitae Variant Classification Sherloc (09022015). Collection method: clinical testing. Allele origin: germline.
Comment: This sequence change replaces glutamic acid, which is acidic and polar, with aspartic acid, which is acidic and polar, at codon 2865 of the DST protein (p.Glu2865Asp). The DST gene has multiple clinically relevant transcripts. This variant occurs in alternate transcript NM_015548.4, and corresponds to NM_001723.5:c.*63189A>C in the primary transcript. This variant is not present in population databases (gnomAD no frequency). In summary, the available evidence is currently insufficient to determine the role of this variant in disease. Therefore, it has been classified as a Variant of Uncertain Significance. Algorithms developed to predict the effect of missense changes on protein structure and function output the following: SIFT: "Not Available"; PolyPhen-2: "Not Available"; Align-GVGD: "Not Available". The aspartic acid amino acid residue is found in multiple mammalian species, which suggests that this missense change does not adversely affect protein function. This variant has not been reported in the literature in individuals affected with DST-related conditions.